The following is an entry in ClinVar:

NM_001134831.2(AHI1):c.2326A>C (p.Lys776Gln)

Gene: AHI1 (Abelson helper integration site 1; minus strand). Cytogenetic location: 6q23.3.
Variant type: single nucleotide variant.
Coding change: c.2326A>C on transcript NM_001134831.2 (MANE Select); coding-DNA position 2326, A replaced by C.
Protein change: p.Lys776Gln; replaces lysine 776 with glutamine.
Molecular consequence: missense variant.
Genome position (GRCh38, 1-based): chr6:135,431,255, T>G on the plus strand (A>C on the coding strand, the complement: AHI1 is on the minus strand). VCF-style: chr6-135431255-T-G. GRCh37 (hg19) VCF-style: chr6-135752393-T-G.
Other names: c.2326A>C, p.Lys776Gln (NM_001134830.2, NM_001134832.2, NM_001350503.2 and 2 more transcripts); short protein forms K776Q.
Identifiers: ClinVar variation 1512143 (VCV001512143.6), dbSNP rs778249065, ClinGen allele CA148121029.

ClinVar aggregate classification (germline): Uncertain significance. Review status: criteria provided, multiple submitters, no conflicts (2 of 4 stars). 2 submissions from 2 submitters: Uncertain significance (2). Last evaluated 2025-06-16.

Conditions:
Joubert syndrome. Also called: Familial aplasia of the vermis; JOUBERT-BOLTSHAUSER SYNDROME. Identifiers: Orphanet 475, MedGen C5979921, MONDO:0018772.

Submissions (2):

Labcorp Genetics (formerly Invitae), Labcorp
Classification: Uncertain significance for Joubert syndrome. Last evaluated: 2025-06-16. Review status: criteria provided, single submitter. Criteria: Invitae Variant Classification Sherloc (09022015). Collection method: clinical testing. Allele origin: germline.
Comment: This sequence change replaces lysine, which is basic and polar, with glutamine, which is neutral and polar, at codon 776 of the AHI1 protein (p.Lys776Gln). This variant is not present in population databases (gnomAD no frequency). This variant has not been reported in the literature in individuals affected with AHI1-related conditions. ClinVar contains an entry for this variant (Variation ID: 1512143). Invitae Evidence Modeling of protein sequence and biophysical properties (such as structural, functional, and spatial information, amino acid conservation, physicochemical variation, residue mobility, and thermodynamic stability) indicates that this missense variant is not expected to disrupt AHI1 protein function with a negative predictive value of 95%. In summary, the available evidence is currently insufficient to determine the role of this variant in disease. Therefore, it has been classified as a Variant of Uncertain Significance.

Blueprint Genetics
Classification: Uncertain significance. Last evaluated: 2020-07-31. Review status: criteria provided, single submitter. Criteria: ACMG Guidelines, 2015. Collection method: clinical testing. Allele origin: germline.